The following is an entry in ClinVar:

ClinVar aggregate classification (germline): Conflicting classifications of pathogenicity. Review status: criteria provided, conflicting classifications (1 of 4 stars). 5 submissions from 4 submitters: Pathogenic (2); Uncertain significance (1). 2 of the submissions do not count toward it. Last evaluated 2022-07-25.

Conditions:
Kugelberg-Welander disease (SMA3). Also called: KUGELBERG-WELANDER SYNDROME; MUSCULAR ATROPHY, JUVENILE; SPINAL MUSCULAR ATROPHY, TYPE III; SMA III; SPINAL MUSCULAR ATROPHY, MILD CHILDHOOD AND ADOLESCENT FORM; Juvenile Spinal Muscular Atrophy. Identifiers: Orphanet 70, Orphanet 83419, MedGen C0152109, MONDO:0009672, OMIM 253400.
Spinal muscular atrophy, type II (SMA2). Also called: MUSCULAR ATROPHY, SPINAL, INFANTILE CHRONIC FORM; MUSCULAR ATROPHY, SPINAL, INTERMEDIATE TYPE; SMA II. Identifiers: Orphanet 70, Orphanet 83418, MedGen C0393538, MONDO:0009673, OMIM 253550.

Submissions (5):

MGZ Medical Genetics Center
Classification: Pathogenic for Kugelberg-Welander disease. Last evaluated: 2022-07-25. Review status: criteria provided, single submitter. Criteria: ACMG Guidelines, 2015. Collection method: clinical testing. Allele origin: germline. Affected: yes. Observed: 3 variant alleles.
Comment: ACMG criteria applied: PS3, PS4_MOD, PM3, PM2_SUP, PP3

Athena Diagnostics
Classification: Pathogenic. Last evaluated: 2017-07-31. Review status: criteria provided, single submitter. Criteria: Athena Diagnostics Criteria. Collection method: clinical testing. Allele origin: germline.

Molecular Diagnostics Lab, Nemours Children's Health, Delaware
Classification: Uncertain significance. Last evaluated: 2016-03-18. Review status: criteria provided, single submitter. Criteria: ACMG Guidelines, 2015. Collection method: clinical testing. Allele origin: unknown. Affected: yes. Observed: 1 variant allele.

OMIM
Classification: Pathogenic for SPINAL MUSCULAR ATROPHY, TYPE II. Last evaluated: 1997-05-01. Review status: no assertion criteria provided. Collection method: literature only. Allele origin: germline. Not counted in ClinVar's aggregate classification.

OMIM
Classification: Pathogenic for SPINAL MUSCULAR ATROPHY, TYPE III. Last evaluated: 1997-05-01. Review status: no assertion criteria provided. Collection method: literature only. Allele origin: germline. Not counted in ClinVar's aggregate classification.

Literature cited by the submitters: PubMed 9158159 (cited by 3 submitters); PubMed 14715275 (cited by Athena Diagnostics); PubMed 15580564 (cited by Athena Diagnostics); PubMed 17475491 (cited by Athena Diagnostics and Molecular Diagnostics Lab, Nemours Children's Health, Delaware); PubMed 21673580 (cited by Athena Diagnostics); PubMed 19050931 (cited by Athena Diagnostics); PubMed 10205265 (cited by Athena Diagnostics); PubMed 25144193 (cited by Athena Diagnostics); PubMed 24844453 (cited by Athena Diagnostics); PubMed 9837824 (cited by Athena Diagnostics); PubMed 11704667 (cited by Athena Diagnostics); PubMed 21920940 (cited by Athena Diagnostics); PubMed 9590291 (cited by Athena Diagnostics); PubMed 22813737 (cited by Athena Diagnostics); PubMed 20057317 (cited by Athena Diagnostics); PubMed 21209906 (cited by Athena Diagnostics).

NM_000344.4(SMN1):c.821C>T (p.Thr274Ile)

Gene: SMN1 (survival of motor neuron 1, telomeric). Cytogenetic location: 5q13.2.
Variant type: single nucleotide variant.
Coding change: c.821C>T on transcript NM_000344.4 (MANE Select); coding-DNA position 821, C replaced by T.
Protein change: p.Thr274Ile; replaces threonine 274 with isoleucine.
Molecular consequence: missense variant.
Genome position (GRCh38, 1-based): chr5:70,946,163, C>T. VCF-style: chr5-70946163-C-T. GRCh37 (hg19) VCF-style: chr5-70241990-C-T.
Other names: c.821C>T, p.Thr274Ile (NM_001297715.1); c.725C>T, p.Thr242Ile (NM_022874.2); short protein forms T274I, T242I.
Identifiers: ClinVar variation 9164 (VCV000009164.7), dbSNP rs1554066666, ClinGen allele CA254673.
Genomic context (GRCh38, chr5:70,946,163, plus strand): 5'-TTGATGATGCTGATGCTTTGGGAAGTATGTTAATTTCATGGTACATGAGTGGCTATCATA[C>T]TGGCTATTATATGGTAAGTAATCACTCAGCATCTTTTCCTGACAATTTTTTTGTAGTTAT-3'
Protein context (NP_000335.1, residues 264-284): LISWYMSGYH[Thr274Ile]GYYMGFRQNQ